The following is an entry in ClinVar:

NM_005529.7(HSPG2):c.4869-2A>G

Gene: HSPG2 (heparan sulfate proteoglycan 2; minus strand). Cytogenetic location: 1p36.12.
Variant type: single nucleotide variant.
Coding change: c.4869-2A>G on transcript NM_005529.7 (MANE Select); the canonical splice acceptor site of the intron before coding-DNA position 4869, A replaced by G.
Molecular consequence: splice acceptor variant.
Genome position (GRCh38, 1-based): chr1:21,861,845, T>C on the plus strand (A>G on the coding strand, the complement: HSPG2 is on the minus strand). VCF-style: chr1-21861845-T-C. GRCh37 (hg19) VCF-style: chr1-22188338-T-C.
Other names: c.4872-2A>G (NM_001291860.2).
Identifiers: ClinVar variation 1513540 (VCV001513540.6), dbSNP rs2152731940, ClinGen allele CA338950161.

ClinVar aggregate classification (germline): Likely pathogenic (1 of 4 stars; one submission).

Submission:

Labcorp Genetics (formerly Invitae), Labcorp
Classification: Likely pathogenic. Last evaluated: 2021-10-20. Review status: criteria provided, single submitter. Criteria: Invitae Variant Classification Sherloc (09022015). Collection method: clinical testing. Allele origin: germline.
Comment: Algorithms developed to predict the effect of sequence changes on RNA splicing suggest that this variant may disrupt the consensus splice site. In summary, the currently available evidence indicates that the variant is pathogenic, but additional data are needed to prove that conclusively. Therefore, this variant has been classified as Likely Pathogenic. This variant has not been reported in the literature in individuals affected with HSPG2-related conditions. This variant is not present in population databases (ExAC no frequency). This sequence change affects an acceptor splice site in intron 38 of the HSPG2 gene. It is expected to disrupt RNA splicing. Variants that disrupt the donor or acceptor splice site typically lead to a loss of protein function (PMID: 16199547), and loss-of-function variants in HSPG2 are known to be pathogenic (PMID: 11279527, 16927315, 20542149, 23836246).

Literature cited by the submitters: PubMed 16199547; PubMed 11279527; PubMed 16927315; PubMed 20542149; PubMed 23836246.